The following is an entry in ClinVar:

ClinVar aggregate classification (germline): Conflicting classifications of pathogenicity. Review status: criteria provided, conflicting classifications (1 of 4 stars). 7 submissions from 7 submitters: Uncertain significance (1); Likely benign (5). 1 of the submissions does not count toward it. Last evaluated 2026-01-20.

Conditions:
Glycine encephalopathy. Also called: Non-ketotic hyperglycinemia; Nonketotic hyperglycinemia. Identifiers: Orphanet 407, MedGen C0751748, MONDO:0011612, HP:0008288.
GLDC-related disorder. Also called: GLDC-related condition.

Allele frequency attached by ClinVar (database versions not stated): 1000 Genomes Project 30x 0.00016; 1000 Genomes Project 0.00020; gnomAD 0.00027 and 0.00028; TOPMed 0.00027; ESP Exome Variant Server 0.00031; gnomAD exomes 0.00031 and 0.00034; ExAC 0.00033.
gnomAD v4.1: 530 of 1,607,996 alleles (0.033%); highest among the groups gnomAD compares: Non-Finnish European, 0.043%; 2 homozygotes.

Submissions (7):

Labcorp Genetics (formerly Invitae), Labcorp
Classification: Likely benign for Glycine encephalopathy. Last evaluated: 2026-01-20. Review status: criteria provided, single submitter. Criteria: Invitae Variant Classification Sherloc (09022015). Collection method: clinical testing. Allele origin: germline.

PreventionGenetics, part of Exact Sciences
Classification: Likely benign for GLDC-related condition. Last evaluated: 2025-03-10. Review status: criteria provided, single submitter. Criteria: ACMG Guidelines, 2015. Collection method: clinical testing. Allele origin: germline.
Comment: This variant is classified as likely benign based on ACMG/AMP sequence variant interpretation guidelines (Richards et al. 2015 PMID: 25741868, with internal and published modifications).

Blueprint Genetics
Classification: Likely benign. Last evaluated: 2024-09-23. Review status: criteria provided, single submitter. Criteria: ACMG Guidelines, 2015. Collection method: clinical testing. Allele origin: germline.

CeGaT Center for Human Genetics Tuebingen
Classification: Likely benign. Last evaluated: 2024-07-01. Review status: criteria provided, single submitter. Criteria: CeGaT Center For Human Genetics Tuebingen Variant Classification Criteria Version 2. Collection method: clinical testing. Allele origin: germline. Affected: yes. Observed: 5 variant alleles.
Comment: GLDC: BP4, BP7

GeneDx
Classification: Likely benign. Last evaluated: 2021-08-05. Review status: criteria provided, single submitter. Criteria: GeneDx Variant Classification Process June 2021. Collection method: clinical testing. Allele origin: germline. Affected: yes.

Illumina Laboratory Services, Illumina
Classification: Uncertain significance for Glycine encephalopathy 1. Last evaluated: 2018-01-13. Review status: criteria provided, single submitter. Criteria: ICSL Variant Classification Criteria 13 December 2019. Collection method: clinical testing. Allele origin: germline.

Natera, Inc.
Classification: Likely benign for Non-ketotic hyperglycinemia. Last evaluated: 2020-04-13. Review status: no assertion criteria provided. Collection method: clinical testing. Allele origin: germline. Not counted in ClinVar's aggregate classification.

NM_000170.3(GLDC):c.2874C>T (p.Ser958=)

Gene: GLDC (glycine decarboxylase; minus strand). Cytogenetic location: 9p24.1.
Variant type: single nucleotide variant.
Coding change: c.2874C>T on transcript NM_000170.3 (MANE Select); coding-DNA position 2874, C replaced by T.
Protein change: p.Ser958=; no amino-acid change (serine 958 retained).
Molecular consequence: synonymous variant.
Genome position (GRCh38, 1-based): chr9:6,534,753, G>A on the plus strand (C>T on the coding strand, the complement: GLDC is on the minus strand). VCF-style: chr9-6534753-G-A. GRCh37 (hg19) VCF-style: chr9-6534753-G-A.
Identifiers: ClinVar variation 772587 (VCV000772587.57), dbSNP rs146339375, ClinGen allele CA4980029.